The following is an entry in ClinVar:

NM_030665.4(RAI1):c.-134A>G

Gene: RAI1 (retinoic acid induced 1; plus strand). Cytogenetic location: 17p11.2.
Variant type: single nucleotide variant.
Coding change: c.-134A>G on transcript NM_030665.4 (MANE Select); 134 bases upstream of the start codon, A replaced by G.
Molecular consequence: 5 prime UTR variant.
Genome position (GRCh38, 1-based): chr17:17,724,042, A>G. VCF-style: chr17-17724042-A-G. GRCh37 (hg19) VCF-style: chr17-17627356-A-G.
Identifiers: ClinVar variation 3358818 (VCV003358818.1).
Genomic context (GRCh38, chr17:17,724,042, plus strand): 5'-GCGAGAGAAAGGATTCGTGCGAGCGCTCACATTTGTTTCTCCCAAGGATCTCATCTGGCC[A>G]CCGCGTTCTGGAAGAGGCGAGAGGGAGAGCGTGCGCGAGAGGAGAGAGACGGCGGGGGAA-3'

ClinVar aggregate classification (germline): Likely benign (0 of 4 stars; one submission).

Conditions:
RAI1-related disorder. Also called: RAI1-related condition.

Submission:

PreventionGenetics, part of Exact Sciences
Classification: Likely benign for RAI1-related condition. Last evaluated: 2022-04-12. Review status: no assertion criteria provided. Collection method: clinical testing. Allele origin: germline.
Comment: This variant is classified as likely benign based on ACMG/AMP sequence variant interpretation guidelines (Richards et al. 2015 PMID: 25741868, with internal and published modifications).